The following is an entry in ClinVar:

ClinVar aggregate classification (germline): Uncertain significance (1 of 4 stars; one submission).

Conditions:
Spermatogenic failure 46. Identifiers: MedGen C5436799, MONDO:0033673, OMIM 619095.

gnomAD v4.1: 11 of 1,551,768 alleles (0.00071%); highest among the groups gnomAD compares: East Asian, 0.023%; no homozygotes.

Submission:

Juno Genomics, Hangzhou Juno Genomics, Inc
Classification: Uncertain significance for Spermatogenic failure 46. Review status: criteria provided, single submitter. Criteria: ACMG Guidelines, 2015. Collection method: clinical testing. Allele origin: germline.
Comment: Absent from controls (or at extremely low frequency if recessive) in Genome Aggregation Database.;Multiple lines of computational evidence support a deleterious effect on the gene or gene product.

NM_001206927.2(DNAH8):c.1407+4A>G

Gene: DNAH8 (dynein axonemal heavy chain 8; plus strand). Cytogenetic location: 6p21.2.
Variant type: single nucleotide variant.
Coding change: c.1407+4A>G on transcript NM_001206927.2 (MANE Select); 4 bases into the intron after coding-DNA position 1407, A replaced by G.
Molecular consequence: intron variant.
Genome position (GRCh38, 1-based): chr6:38,750,593, A>G. VCF-style: chr6-38750593-A-G. GRCh37 (hg19) VCF-style: chr6-38718369-A-G.
Other names: c.756+4A>G (NM_001371.4).
Identifiers: ClinVar variation 5007049 (VCV005007049.2).